The following is an entry in ClinVar:

ClinVar aggregate classification (germline): Uncertain significance (1 of 4 stars; one submission).

Conditions:
Chédiak-Higashi syndrome (CHS). Also called: Chediak-Higashi Syndrome. Identifiers: Orphanet 167, MedGen C0007965, MONDO:0008963, OMIM 214500.

Submission:

Labcorp Genetics (formerly Invitae), Labcorp
Classification: Uncertain significance for Chédiak-Higashi syndrome. Last evaluated: 2024-10-03. Review status: criteria provided, single submitter. Criteria: Invitae Variant Classification Sherloc (09022015). Collection method: clinical testing. Allele origin: germline.
Comment: This sequence change falls in intron 27 of the LYST gene. It does not directly change the encoded amino acid sequence of the LYST protein. This variant is not present in population databases (gnomAD no frequency). This variant has not been reported in the literature in individuals affected with LYST-related conditions. Algorithms developed to predict the effect of sequence changes on RNA splicing suggest that this variant may disrupt the consensus splice site. In summary, the available evidence is currently insufficient to determine the role of this variant in disease. Therefore, it has been classified as a Variant of Uncertain Significance.

NM_000081.4(LYST):c.7628-9T>G

Gene: LYST (lysosomal trafficking regulator; minus strand). Cytogenetic location: 1q42.3.
Variant type: single nucleotide variant.
Coding change: c.7628-9T>G on transcript NM_000081.4 (MANE Select); 9 bases into the intron before coding-DNA position 7628, T replaced by G.
Molecular consequence: intron variant.
Genome position (GRCh38, 1-based): chr1:235,751,371, A>C on the plus strand (T>G on the coding strand, the complement: LYST is on the minus strand). VCF-style: chr1-235751371-A-C. GRCh37 (hg19) VCF-style: chr1-235914671-A-C.
Other names: c.7628-9T>G (NM_001301365.1).
Identifiers: ClinVar variation 3658041 (VCV003658041.2).